The following is an entry in ClinVar:

ClinVar aggregate classification (germline): Uncertain significance (1 of 4 stars; one submission).

Conditions:
Developmental and epileptic encephalopathy, 37 (DEE37). Also called: Epileptic encephalopathy, early infantile, 37. Identifiers: MedGen C4310770, MONDO:0014859, OMIM 616981.

Allele frequency attached by ClinVar (database versions not stated): TOPMed below 0.00001; gnomAD 0.00001; 1000 Genomes Project 30x 0.00016.
gnomAD v4.1: 2 of 1,350,178 alleles (0.00015%); highest among the groups gnomAD compares: Admixed American, 0.0054%; no homozygotes.

Submission:

Labcorp Genetics (formerly Invitae), Labcorp
Classification: Uncertain significance for Developmental and epileptic encephalopathy, 37. Last evaluated: 2024-10-16. Review status: criteria provided, single submitter. Criteria: Invitae Variant Classification Sherloc (09022015). Collection method: clinical testing. Allele origin: germline.
Comment: This sequence change replaces arginine, which is basic and polar, with serine, which is neutral and polar, at codon 125 of the FRRS1L protein (p.Arg125Ser). This variant is not present in population databases (gnomAD no frequency). This variant has not been reported in the literature in individuals affected with FRRS1L-related conditions. ClinVar contains an entry for this variant (Variation ID: 1476511). An algorithm developed to predict the effect of missense changes on protein structure and function (PolyPhen-2) suggests that this variant is likely to be tolerated. In summary, the available evidence is currently insufficient to determine the role of this variant in disease. Therefore, it has been classified as a Variant of Uncertain Significance.

NM_014334.4(FRRS1L):c.220C>A (p.Arg74Ser)

Gene: FRRS1L (ferric chelate reductase 1 like; minus strand). Cytogenetic location: 9q31.3.
Variant type: single nucleotide variant.
Coding change: c.220C>A on transcript NM_014334.4 (MANE Select); coding-DNA position 220, C replaced by A.
Protein change: p.Arg74Ser; replaces arginine 74 with serine.
Molecular consequence: missense variant.
Genome position (GRCh38, 1-based): chr9:109,166,919, G>T on the plus strand (C>A on the coding strand, the complement: FRRS1L is on the minus strand). VCF-style: chr9-109166919-G-T. GRCh37 (hg19) VCF-style: chr9-111929199-G-T.
Other names: short protein forms R74S.
Identifiers: ClinVar variation 1476511 (VCV001476511.8), dbSNP rs1831560148, ClinGen allele CA374430249.